The following is an entry in ClinVar:

NM_002303.6(LEPR):c.2871C>T (p.Asp957=)

Gene: LEPR (leptin receptor; plus strand). Cytogenetic location: 1p31.3.
Variant type: single nucleotide variant.
Coding change: c.2871C>T on transcript NM_002303.6 (MANE Select); coding-DNA position 2871, C replaced by T.
Protein change: p.Asp957=; no amino-acid change (aspartic acid 957 retained).
Molecular consequence: synonymous variant.
Genome position (GRCh38, 1-based): chr1:65,636,388, C>T. VCF-style: chr1-65636388-C-T. GRCh37 (hg19) VCF-style: chr1-66102071-C-T.
Identifiers: ClinVar variation 3357006 (VCV003357006.1).

ClinVar aggregate classification (germline): Likely benign (0 of 4 stars; one submission).

Conditions:
LEPR-related disorder. Also called: LEPR-related condition; LEPR-related disorders.

Submission:

PreventionGenetics, part of Exact Sciences
Classification: Likely benign for LEPR-related condition. Last evaluated: 2021-05-05. Review status: no assertion criteria provided. Collection method: clinical testing. Allele origin: germline.
Comment: This variant is classified as likely benign based on ACMG/AMP sequence variant interpretation guidelines (Richards et al. 2015 PMID: 25741868, with internal and published modifications).